The following is an entry in ClinVar:

NM_025000.4(DCAF17):c.*2425T>A

Gene: DCAF17 (DDB1 and CUL4 associated factor 17; plus strand). Cytogenetic location: 2q31.1.
Variant type: single nucleotide variant.
Coding change: c.*2425T>A on transcript NM_025000.4 (MANE Select); 2425 bases downstream of the stop codon, T replaced by A.
Molecular consequence: 3 prime UTR variant. On other transcripts: non-coding transcript variant (1).
Genome position (GRCh38, 1-based): chr2:171,483,539, T>A. VCF-style: chr2-171483539-T-A. GRCh37 (hg19) VCF-style: chr2-172340049-T-A.
Other names: c.*2425T>A (NM_001164821.2).
Identifiers: ClinVar variation 332300 (VCV000332300.6), dbSNP rs12151641, ClinGen allele CA1965118.

ClinVar aggregate classification (germline): Benign. Review status: criteria provided, multiple submitters, no conflicts (2 of 4 stars). 2 submissions from 2 submitters: Benign (2). Last evaluated 2018-01-12.

Conditions:
Woodhouse-Sakati syndrome. Also called: Hypogonadism, Alopecia, Diabetes Mellitus, Mental Retardation, and Extrapyramidal Syndrome; Hypogonadism, diabetes mellitus, alopecia, mental retardation and electrocardiographic abnormalities; EXTRAPYRAMIDAL DISORDER, PROGRESSIVE, WITH PRIMARY HYPOGONADISM, MENTAL RETARDATION, AND ALOPECIA. Identifiers: Orphanet 3464, MedGen C0342286, MONDO:0009419, OMIM 241080.

Allele frequency attached by ClinVar (database versions not stated): gnomAD 0.19764; 1000 Genomes Project 30x 0.21034; TOPMed 0.20072; 1000 Genomes Project 0.20647; ExAC 0.26431.
gnomAD v4.1: 100,153 of 453,926 alleles (22%); highest among the groups gnomAD compares: Admixed American, 32%; 11,903 homozygotes.

Submissions (2):

Illumina Laboratory Services, Illumina
Classification: Benign for Woodhouse-Sakati syndrome. Last evaluated: 2018-01-12. Review status: criteria provided, single submitter. Criteria: ICSL Variant Classification Criteria 13 December 2019. Collection method: clinical testing. Allele origin: germline.
Comment: This variant was observed in the ICSL laboratory as part of a predisposition screen in an ostensibly healthy population. It had not been previously curated by ICSL or reported in the Human Gene Mutation Database (HGMD: prior to June 1st, 2018), and was therefore a candidate for classification through an automated scoring system. Utilizing variant allele frequency, disease prevalence and penetrance estimates, and inheritance mode, an automated score was calculated to assess if this variant is too frequent to cause the disease. Based on the score and internal cut-off values, a variant classified as benign is not then subjected to further curation. The score for this variant resulted in a classification of benign for this disease.

Breakthrough Genomics
Classification: Benign. Review status: criteria provided, single submitter. Criteria: ACMG Guidelines, 2015. Collection method: not provided. Allele origin: germline. Inheritance: Autosomal recessive inheritance. Affected: yes.